The following is an entry in ClinVar:

ClinVar aggregate classification (germline): Likely benign (0 of 4 stars; one submission).

Conditions:
AR-related disorder. Also called: AR-related condition.

Submission:

PreventionGenetics, part of Exact Sciences
Classification: Likely benign for AR-related condition. Last evaluated: 2024-05-01. Review status: no assertion criteria provided. Collection method: clinical testing. Allele origin: germline.
Comment: This variant is classified as likely benign based on ACMG/AMP sequence variant interpretation guidelines (Richards et al. 2015 PMID: 25741868, with internal and published modifications).

NM_000044.6(AR):c.171GCA[44] (p.Gln80_Glu81insGlnGlnGlnGlnGlnGlnGlnGlnGlnGlnGlnGlnGlnGlnGlnGlnGlnGlnGlnGlnGln)

Genes: AR (androgen receptor; plus strand), LOC109504725 (androgen receptor repeat instability region; plus strand). Cytogenetic location: Xq12.
Variant type: Microsatellite.
Coding change: c.171GCA[44] on transcript NM_000044.6 (MANE Select); 44 copies in a row of the 3-base unit GCA starting at c.171.
Protein change: p.Gln80_Glu81insGlnGlnGlnGlnGlnGlnGlnGlnGlnGlnGlnGlnGlnGlnGlnGlnGlnGlnGlnGlnGln.
Molecular consequence: inframe insertion. On other transcripts: 5 prime UTR variant (1).
Genome position: GRCh38, VCF-style position (the base before the change): chrX:67,545,316. GRCh37 (hg19), VCF-style position (the base before the change): chrX:66,765,158.
Other names: c.-1613GCA[44] (NM_001011645.3); c.171GCA[44], p.Gln80_Glu81insGlnGlnGlnGlnGlnGlnGlnGlnGlnGlnGlnGlnGlnGlnGlnGlnGlnGlnGlnGlnGln (NM_001348061.1, NM_001348063.1, NM_001348064.1).
Identifiers: ClinVar variation 3355844 (VCV003355844.1).